The following is an entry in ClinVar:

NM_173628.4(DNAH17):c.12653T>C (p.Met4218Thr)

Gene: DNAH17 (dynein axonemal heavy chain 17; minus strand). Cytogenetic location: 17q25.3.
Variant type: single nucleotide variant.
Coding change: c.12653T>C on transcript NM_173628.4 (MANE Select); coding-DNA position 12653, T replaced by C.
Protein change: p.Met4218Thr; replaces methionine 4218 with threonine.
Molecular consequence: missense variant.
Genome position (GRCh38, 1-based): chr17:78,427,044, A>G on the plus strand (T>C on the coding strand, the complement: DNAH17 is on the minus strand). VCF-style: chr17-78427044-A-G. GRCh37 (hg19) VCF-style: chr17-76423125-A-G.
Other names: short protein forms M4218T.
Identifiers: ClinVar variation 3034299 (VCV003034299.2), dbSNP rs35081093, ClinGen allele CA8799939.

ClinVar aggregate classification (germline): Benign (0 of 4 stars; one submission).

Conditions:
DNAH17-related disorder. Also called: DNAH17-related condition.

Allele frequency attached by ClinVar (database versions not stated): gnomAD exomes 0.00055; ExAC 0.00220; gnomAD 0.00512; ESP Exome Variant Server 0.00531; 1000 Genomes Project 0.00599; 1000 Genomes Project 30x 0.00656.
gnomAD v4.1: 1,619 of 1,602,514 alleles (0.1%); highest among the groups gnomAD compares: African/African-American, 1.9%; 18 homozygotes.

Submission:

PreventionGenetics, part of Exact Sciences
Classification: Benign for DNAH17-related condition. Last evaluated: 2019-06-17. Review status: no assertion criteria provided. Collection method: clinical testing. Allele origin: germline.
Comment: This variant is classified as benign based on ACMG/AMP sequence variant interpretation guidelines (Richards et al. 2015 PMID: 25741868, with internal and published modifications).